The following is an entry in ClinVar:

NM_000277.3(PAH):c.745del (p.Leu249fs)

Gene: PAH (phenylalanine hydroxylase; minus strand). Cytogenetic location: 12q23.2.
Variant type: Deletion.
Coding change: c.745del on transcript NM_000277.3 (MANE Select); coding-DNA position 745, one base deleted (C; older notation c.745delC).
Protein change: p.Leu249fs; shifts the reading frame from leucine 249.
Molecular consequence: frameshift variant.
Genome position (GRCh38, 1-based): chr12:102,852,912, G deleted on the plus strand (C on the coding strand, the reverse complement: PAH is on the minus strand). VCF-style (leftmost placement, unchanged base first): chr12-102852911-AG-A. GRCh37 (hg19) VCF-style: chr12-103246689-AG-A.
Other names: NM_000277.3(PAH):c.745del; p.Leu249fs; c.745del, p.Leu249fs (NM_001354304.2); short protein forms L249fs.
Identifiers: ClinVar variation 370982 (VCV000370982.5), dbSNP rs1057516914, ClinGen allele CA16020850.

ClinVar aggregate classification (germline): Pathogenic. Review status: reviewed by expert panel (3 of 4 stars). 3 submissions from 3 submitters: Pathogenic (1). 2 of the submissions do not count toward it. Last evaluated 2021-05-15.

Conditions:
Phenylketonuria (PKU). Also called: OLIGOPHRENIA PHENYLPYRUVICA; Phenylketonurias; FOLLING DISEASE; Phenylketonuria (PKU). Identifiers: Orphanet 716, MedGen C0031485, MONDO:0009861, OMIM 261600. Disease mechanism: loss of function.

Submissions (3):

ClinGen PAH Variant Curation Expert Panel
Classification: Pathogenic for Phenylketonuria. Last evaluated: 2021-05-15. Review status: reviewed by expert panel. Criteria: ClinGen PAH ACMG Specifications v1. Collection method: curation. Allele origin: germline. Inheritance: Autosomal recessive inheritance.
Comment: Phe = 600-900umol/L (PMID: 29288420; PP4). This variant was detected with V388M - reported at Pathogenic in ClinVar (VarID:610, 7 submitters); phase not confirmed - 0.5 points (PMID: 29288420; PM3_supporting). This frameshift variant is predicted to undergo NMD, not located in last exon or last 50bp of preliminary exon (Coding exon number 7 out of 13 coding exons; 7 out of total exons) (PVS1). This variant is absent from population databases (PM2). In summary, this variant meets criteria to be classified as pathogenic for PAH. PAH-specific ACMG/AMP criteria applied: PVS1, PM2, PP4, PM3_supporting.

Baylor Genetics
Classification: Pathogenic for Phenylketonuria. Last evaluated: 2022-08-29. Review status: criteria provided, single submitter. Criteria: ACMG Guidelines, 2015. Collection method: clinical testing. Allele origin: unknown. Not counted in ClinVar's aggregate classification.

Counsyl
Classification: Likely pathogenic for Phenylketonuria. Last evaluated: 2016-05-27. Review status: no assertion criteria provided. Collection method: clinical testing. Allele origin: unknown. Not counted in ClinVar's aggregate classification.

Literature cited by the submitters: PubMed 25085675 (cited by Counsyl).